The following is an entry in ClinVar:

NM_021973.3(HAND2):c.484G>A (p.Gly162Ser)

Genes: HAND2 (heart and neural crest derivatives expressed 2; minus strand), HAND2-AS1 (HAND2 antisense RNA 1; plus strand). Cytogenetic location: 4q34.1.
Variant type: single nucleotide variant.
Coding change: c.484G>A on transcript NM_021973.3 (MANE Select); coding-DNA position 484, G replaced by A.
Protein change: p.Gly162Ser; replaces glycine 162 with serine.
Molecular consequence: missense variant. On other transcripts: non-coding transcript variant (1).
Genome position (GRCh38, 1-based): chr4:173,528,806, C>T on the plus strand (G>A on the coding strand, the complement: HAND2 is on the minus strand). VCF-style: chr4-173528806-C-T. GRCh37 (hg19) VCF-style: chr4-174449957-C-T.
Other names: short protein forms G162S.
Identifiers: ClinVar variation 2509177 (VCV002509177.4), dbSNP rs932886269, ClinGen allele CA110738938.
Genomic context (GRCh38, chr4:173,528,806, plus strand): 5'-TCCTCTTCTCCTCTTTCACGTCGGTCTTCTTGATCTCTGCCTTGAAGGCCTCCGCCTCGC[C>T]ATTCTGGTCGTCCTTGGCCAGCAGGTCCATGAGGTAGGCGATGTAGCTGGTGGCCAGGCG-3'
Protein context (NP_068808.1, residues 152-172): MDLLAKDDQN[Gly162Ser]EAEAFKAEIK

ClinVar aggregate classification (germline): Uncertain significance. Review status: criteria provided, multiple submitters, no conflicts (2 of 4 stars). 2 submissions from 2 submitters: Uncertain significance (2). Last evaluated 2024-05-10.

Conditions:
Inborn genetic diseases. Identifiers: MedGen C0950123, MeSH D030342.

Allele frequency attached by ClinVar (database versions not stated): gnomAD 0.00001; TOPMed 0.00001; gnomAD exomes 0.00002.
gnomAD v4.1: 35 of 1,614,112 alleles (0.0022%); highest among the groups gnomAD compares: Non-Finnish European, 0.0029%; no homozygotes.

Submissions (2):

Labcorp Genetics (formerly Invitae), Labcorp
Classification: Uncertain significance. Last evaluated: 2024-05-10. Review status: criteria provided, single submitter. Criteria: Invitae Variant Classification Sherloc (09022015). Collection method: clinical testing. Allele origin: germline.
Comment: This sequence change replaces glycine, which is neutral and non-polar, with serine, which is neutral and polar, at codon 162 of the HAND2 protein (p.Gly162Ser). This variant is present in population databases (no rsID available, gnomAD 0.0009%). This variant has not been reported in the literature in individuals affected with HAND2-related conditions. ClinVar contains an entry for this variant (Variation ID: 2509177). An algorithm developed to predict the effect of missense changes on protein structure and function (PolyPhen-2) suggests that this variant is likely to be disruptive. In summary, the available evidence is currently insufficient to determine the role of this variant in disease. Therefore, it has been classified as a Variant of Uncertain Significance.

Ambry Genetics
Classification: Uncertain significance for Inborn genetic diseases. Last evaluated: 2023-05-22. Review status: criteria provided, single submitter. Criteria: Ambry Variant Classification Scheme 2023. Collection method: clinical testing. Allele origin: germline.